The following is an entry in ClinVar:

ClinVar aggregate classification (germline): Uncertain significance. Review status: criteria provided, multiple submitters, no conflicts (2 of 4 stars). 3 submissions from 3 submitters: Uncertain significance (3). Last evaluated 2025-02-12.

Conditions:
Loeys-Dietz syndrome 4 (LDS4). Also called: ANEURYSM, AORTIC AND CEREBRAL, WITH ARTERIAL TORTUOSITY AND SKELETAL MANIFESTATIONS; TGFB2-Related Loeys-Dietz Syndrome. Identifiers: MedGen C3553762, MONDO:0013897, OMIM 614816.
Familial thoracic aortic aneurysm and aortic dissection (TAAD). Also called: Thoracic aortic aneurysms and dissections. Identifiers: Orphanet 91387, MedGen C4707243, MONDO:0019625.

Allele frequency attached by ClinVar (database versions not stated): gnomAD exomes below 0.00001; ExAC 0.00001; gnomAD 0.00001.
gnomAD v4.1: 5 of 1,606,800 alleles (0.00031%); highest among the groups gnomAD compares: Admixed American, 0.0034%; no homozygotes.

Submissions (3):

Labcorp Genetics (formerly Invitae), Labcorp
Classification: Uncertain significance for Loeys-Dietz syndrome 4. Last evaluated: 2025-02-12. Review status: criteria provided, single submitter. Criteria: Invitae Variant Classification Sherloc (09022015). Collection method: clinical testing. Allele origin: germline.
Comment: This sequence change replaces proline, which is neutral and non-polar, with threonine, which is neutral and polar, at codon 321 of the TGFB2 protein (p.Pro321Thr). This variant is present in population databases (rs765295855, gnomAD 0.0009%). This variant has not been reported in the literature in individuals affected with TGFB2-related conditions. ClinVar contains an entry for this variant (Variation ID: 2452022). Invitae Evidence Modeling of protein sequence and biophysical properties (such as structural, functional, and spatial information, amino acid conservation, physicochemical variation, residue mobility, and thermodynamic stability) indicates that this missense variant is not expected to disrupt TGFB2 protein function with a negative predictive value of 80%. In summary, the available evidence is currently insufficient to determine the role of this variant in disease. Therefore, it has been classified as a Variant of Uncertain Significance.

Dasa
Classification: Uncertain significance. Last evaluated: 2024-10-21. Review status: criteria provided, single submitter. Criteria: DASA Assertion Criteria. Collection method: clinical testing. Allele origin: germline.
Comment: NM_003238.6(TGFB2):c.961C>A (p.Pro321Thr) is a missense variant that results in the substitution of proline with threonine. This variant is rare in population databases. Computational prediction algorithms are consistent with a benign effect. The currently available literature and clinical evidence are not sufficient to establish a definitive association between this variant and the reported condition. Therefore, this variant is classified as a variant of uncertain significance.

Ambry Genetics
Classification: Uncertain significance for Familial thoracic aortic aneurysm and aortic dissection. Last evaluated: 2023-02-11. Review status: criteria provided, single submitter. Criteria: Ambry Variant Classification Scheme 2023. Collection method: clinical testing. Allele origin: germline.
Comment: The p.P321T variant (also known as c.961C>A), located in coding exon 6 of the TGFB2 gene, results from a C to A substitution at nucleotide position 961. The proline at codon 321 is replaced by threonine, an amino acid with highly similar properties. This amino acid position is conserved. In addition, the in silico prediction for this alteration is inconclusive. Since supporting evidence is limited at this time, the clinical significance of this alteration remains unclear.

NM_003238.6(TGFB2):c.961C>A (p.Pro321Thr)

Gene: TGFB2 (transforming growth factor beta 2; plus strand). Cytogenetic location: 1q41.
Variant type: single nucleotide variant.
Coding change: c.961C>A on transcript NM_003238.6 (MANE Select); coding-DNA position 961, C replaced by A.
Protein change: p.Pro321Thr; replaces proline 321 with threonine.
Molecular consequence: missense variant. On other transcripts: non-coding transcript variant (2).
Genome position (GRCh38, 1-based): chr1:218,437,371, C>A. VCF-style: chr1-218437371-C-A. GRCh37 (hg19) VCF-style: chr1-218610713-C-A.
Other names: c.1045C>A, p.Pro349Thr (NM_001135599.4); short protein forms P349T, P321T.
Identifiers: ClinVar variation 2452022 (VCV002452022.6), dbSNP rs765295855, ClinGen allele CA1398654.